The following is an entry in ClinVar:

ClinVar aggregate classification (germline): Likely benign. Review status: criteria provided, multiple submitters, no conflicts (2 of 4 stars). 2 submissions from 2 submitters: Likely benign (2). Last evaluated 2024-04-03.

Allele frequency attached by ClinVar (database versions not stated): gnomAD 0.00001; TOPMed 0.00001; 1000 Genomes Project 30x 0.00031.
gnomAD v4.1: 5 of 1,613,682 alleles (0.00031%); highest among the groups gnomAD compares: South Asian, 0.0011%; no homozygotes.

Submissions (2):

Labcorp Genetics (formerly Invitae), Labcorp
Classification: Likely benign. Last evaluated: 2024-04-03. Review status: criteria provided, single submitter. Criteria: Invitae Variant Classification Sherloc (09022015). Collection method: clinical testing. Allele origin: germline.

Laboratory for Molecular Medicine, Mass General Brigham Personalized Medicine
Classification: Likely benign. Last evaluated: 2013-12-17. Review status: criteria provided, single submitter. Criteria: LMM Criteria. Collection method: clinical testing. Allele origin: germline. Observed: 1 variant allele.
Comment: Asn2282Asn in exon 50 of CDH23: This variant is not expected to have clinical si gnificance because it does not alter an amino acid residue and is not located wi thin the splice consensus sequence.

NM_022124.6(CDH23):c.6846C>T (p.Asn2282=)

Gene: CDH23 (cadherin related 23; plus strand). Cytogenetic location: 10q22.1.
Variant type: single nucleotide variant.
Coding change: c.6846C>T on transcript NM_022124.6 (MANE Select); coding-DNA position 6846, C replaced by T.
Protein change: p.Asn2282=; no amino-acid change (asparagine 2282 retained).
Molecular consequence: synonymous variant.
Genome position (GRCh38, 1-based): chr10:71,798,370, C>T. VCF-style: chr10-71798370-C-T. GRCh37 (hg19) VCF-style: chr10-73558127-C-T.
Other names: c.126C>T, p.Asn42= (NM_001171933.1, NM_001171934.1).
Identifiers: ClinVar variation 162936 (VCV000162936.13), dbSNP rs727502929, ClinGen allele CA175509.
Genomic context (GRCh38, chr10:71,798,370, plus strand): 5'-ACTAGTGTCCTTCCCCTCTCCCTCACTCCCTGCCTCCACCACAGCCAAGCTGACTGTCAA[C>T]GTCCTGGACGTCAATGACAATACGCCCCAGTTCAAGCCCTTTGGGATCACCTACTACATG-3'
Protein context (NP_071407.4, residues 2272-2292): VSVPNAKLTV[Asn2282=]VLDVNDNTPQ